The following is an entry in ClinVar:

NM_005751.5(AKAP9):c.4628A>T (p.Asp1543Val)

Gene: AKAP9 (A-kinase anchoring protein 9; plus strand). Cytogenetic location: 7q21.2.
Variant type: single nucleotide variant.
Coding change: c.4628A>T on transcript NM_005751.5 (MANE Select); coding-DNA position 4628, A replaced by T.
Protein change: p.Asp1543Val; replaces aspartic acid 1543 with valine.
Molecular consequence: missense variant.
Genome position (GRCh38, 1-based): chr7:92,038,708, A>T. VCF-style: chr7-92038708-A-T. GRCh37 (hg19) VCF-style: chr7-91668022-A-T.
Other names: c.4628A>T, p.Asp1543Val (NM_147185.3); short protein forms D1543V.
Identifiers: ClinVar variation 519242 (VCV000519242.5), dbSNP rs1554426900, ClinGen allele CA368129195.

ClinVar aggregate classification (germline): Uncertain significance (1 of 4 stars; one submission).

Conditions:
Cardiovascular phenotype. Identifiers: MedGen CN230736.

Allele frequency attached by ClinVar (database versions not stated): gnomAD exomes below 0.00001; TOPMed below 0.00001; gnomAD 0.00001.
gnomAD v4.1: 1 of 1,607,304 alleles (0.000062%); highest among the groups gnomAD compares: African/African-American, 0.0013%; no homozygotes.

Submission:

Ambry Genetics
Classification: Uncertain significance for Cardiovascular phenotype. Last evaluated: 2019-01-31. Review status: criteria provided, single submitter. Criteria: Ambry Variant Classification Scheme 2023. Collection method: clinical testing. Allele origin: germline.
Comment: The p.D1543V variant (also known as c.4628A>T), located in coding exon 17 of the AKAP9 gene, results from an A to T substitution at nucleotide position 4628. The aspartic acid at codon 1543 is replaced by valine, an amino acid with highly dissimilar properties. This amino acid position is not well conserved in available vertebrate species. In addition, this alteration is predicted to be tolerated by in silico analysis. Since supporting evidence is limited at this time, the clinical significance of this alteration remains unclear.